The following is an entry in ClinVar:

ClinVar aggregate classification (germline): Uncertain significance (1 of 4 stars; one submission).

Allele frequency attached by ClinVar (database versions not stated): gnomAD exomes 0.00001; gnomAD 0.00003; TOPMed 0.00004.
gnomAD v4.1: 16 of 1,578,834 alleles (0.001%); highest among the groups gnomAD compares: African/African-American, 0.0028%; no homozygotes.

Submission:

Labcorp Genetics (formerly Invitae), Labcorp
Classification: Uncertain significance. Last evaluated: 2022-01-11. Review status: criteria provided, single submitter. Criteria: Invitae Variant Classification Sherloc (09022015). Collection method: clinical testing. Allele origin: germline.
Comment: This sequence change replaces methionine, which is neutral and non-polar, with valine, which is neutral and non-polar, at codon 4136 of the ANK3 protein (p.Met4136Val). This variant is not present in population databases (gnomAD no frequency). This variant has not been reported in the literature in individuals affected with ANK3-related conditions. Algorithms developed to predict the effect of missense changes on protein structure and function are either unavailable or do not agree on the potential impact of this missense change (SIFT: "Not Available"; PolyPhen-2: "Probably Damaging"; Align-GVGD: "Not Available"). In summary, the available evidence is currently insufficient to determine the role of this variant in disease. Therefore, it has been classified as a Variant of Uncertain Significance.

NM_020987.5(ANK3):c.12406A>G (p.Met4136Val)

Gene: ANK3 (ankyrin 3; minus strand). Cytogenetic location: 10q21.2.
Variant type: single nucleotide variant.
Coding change: c.12406A>G on transcript NM_020987.5 (MANE Select); coding-DNA position 12406, A replaced by G.
Protein change: p.Met4136Val; replaces methionine 4136 with valine.
Molecular consequence: missense variant.
Genome position (GRCh38, 1-based): chr10:60,064,202, T>C on the plus strand (A>G on the coding strand, the complement: ANK3 is on the minus strand). VCF-style: chr10-60064202-T-C. GRCh37 (hg19) VCF-style: chr10-61823960-T-C.
Other names: c.1969A>G, p.Met657Val (NM_001149.4); c.4549A>G, p.Met1517Val (NM_001204403.2); c.4570A>G, p.Met1524Val (NM_001204404.2); c.4567A>G, p.Met1523Val (NM_001320874.2); short protein forms M4136V, M1517V, M1523V, M1524V, M657V.
Identifiers: ClinVar variation 2175008 (VCV002175008.4), dbSNP rs1025797163, ClinGen allele CA207321315.